The following is an entry in ClinVar:

ClinVar aggregate classification (germline): Uncertain significance (1 of 4 stars; one submission).

Conditions:
Isolated microphthalmia 5. Also called: Posterior Microphthalmia with Retinitis Pigmentosa, Foveoschisis, and Optic Disc Drusen. Identifiers: Orphanet 251279, MedGen C1970236, MONDO:0012605, OMIM 611040.

gnomAD v4.1: 1 of 1,612,332 alleles (0.000062%); no homozygotes.

Submission:

Labcorp Genetics (formerly Invitae), Labcorp
Classification: Uncertain significance for Isolated microphthalmia 5. Last evaluated: 2022-07-20. Review status: criteria provided, single submitter. Criteria: Invitae Variant Classification Sherloc (09022015). Collection method: clinical testing. Allele origin: germline.
Comment: This variant is not present in population databases (gnomAD no frequency). This sequence change affects codon 166 of the MFRP mRNA. It is a 'silent' change, meaning that it does not change the encoded amino acid sequence of the MFRP protein. This variant has not been reported in the literature in individuals affected with MFRP-related conditions. Algorithms developed to predict the effect of sequence changes on RNA splicing suggest that this variant may disrupt the consensus splice site. In summary, the available evidence is currently insufficient to determine the role of this variant in disease. Therefore, it has been classified as a Variant of Uncertain Significance.

NM_031433.4(MFRP):c.498C>G (p.Pro166=)

Genes: C1QTNF5 (C1q and TNF related 5; minus strand), MFRP (membrane frizzled-related protein; minus strand). Cytogenetic location: 11q23.3.
Variant type: single nucleotide variant.
Coding change: c.498C>G on transcript NM_031433.4 (MANE Select); coding-DNA position 498, C replaced by G.
Protein change: p.Pro166=; no amino-acid change (proline 166 retained).
Molecular consequence: synonymous variant. On other transcripts: 5 prime UTR variant (1).
Genome position (GRCh38, 1-based): chr11:119,345,563, G>C on the plus strand (C>G on the coding strand, the complement: MFRP is on the minus strand). VCF-style: chr11-119345563-G-C. GRCh37 (hg19) VCF-style: chr11-119216273-G-C.
Other names: c.-2139C>G (NM_015645.5).
Identifiers: ClinVar variation 2018398 (VCV002018398.4), dbSNP rs200825785, ClinGen allele CA477377921.